The following is an entry in ClinVar:

ClinVar aggregate classification (germline): Uncertain significance (1 of 4 stars; one submission).

Conditions:
Nephronophthisis 15 (NPHP15). Identifiers: Orphanet 3156, MedGen C3541853, MONDO:0013917, OMIM 614845.

Allele frequency attached by ClinVar (database versions not stated): gnomAD exomes below 0.00001.
gnomAD v4.1: 1 of 1,409,962 alleles (0.000071%); highest among the groups gnomAD compares: Non-Finnish European, 0.000095%; no homozygotes.

Submission:

Labcorp Genetics (formerly Invitae), Labcorp
Classification: Uncertain significance for Nephronophthisis 15. Last evaluated: 2021-08-30. Review status: criteria provided, single submitter. Criteria: Invitae Variant Classification Sherloc (09022015). Collection method: clinical testing. Allele origin: germline.
Comment: This sequence change replaces histidine with tyrosine at codon 1062 of the CEP164 protein (p.His1062Tyr). The histidine residue is highly conserved and there is a moderate physicochemical difference between histidine and tyrosine. This variant is not present in population databases (ExAC no frequency). This variant has not been reported in the literature in individuals affected with CEP164-related conditions. Algorithms developed to predict the effect of missense changes on protein structure and function (SIFT, PolyPhen-2, Align-GVGD) all suggest that this variant is likely to be tolerated. In summary, the available evidence is currently insufficient to determine the role of this variant in disease. Therefore, it has been classified as a Variant of Uncertain Significance.

NM_014956.5(CEP164):c.3184C>T (p.His1062Tyr)

Gene: CEP164 (centrosomal protein 164; plus strand). Cytogenetic location: 11q23.3.
Variant type: single nucleotide variant.
Coding change: c.3184C>T on transcript NM_014956.5 (MANE Select); coding-DNA position 3184, C replaced by T.
Protein change: p.His1062Tyr; replaces histidine 1062 with tyrosine.
Molecular consequence: missense variant.
Genome position (GRCh38, 1-based): chr11:117,396,148, C>T. VCF-style: chr11-117396148-C-T. GRCh37 (hg19) VCF-style: chr11-117266864-C-T.
Other names: c.3193C>T, p.His1065Tyr (NM_001271933.2); short protein forms H1065Y, H1062Y.
Identifiers: ClinVar variation 1508883 (VCV001508883.5), dbSNP rs2136467201, ClinGen allele CA382733436.